The following is an entry in ClinVar:

NM_000548.5(TSC2):c.-30+202C>T

Gene: TSC2 (TSC complex subunit 2; plus strand). Cytogenetic location: 16p13.3.
Variant type: single nucleotide variant.
Coding change: c.-30+202C>T on transcript NM_000548.5 (MANE Select); 202 bases into the intron after 30 bases upstream of the start codon, C replaced by T.
Molecular consequence: intron variant. On other transcripts: 5 prime UTR variant (1).
Genome position (GRCh38, 1-based): chr16:2,048,267, C>T. VCF-style: chr16-2048267-C-T. GRCh37 (hg19) VCF-style: chr16-2098268-C-T.
Other names: c.-3C>T (NM_001318832.2); c.-1767+202C>T (NM_001406693.1); c.-30+202C>T (NM_001406667.1, NM_001406668.1, NM_001114382.3 and 13 more transcripts); c.-846+202C>T (NM_001406680.1, NM_001406683.1, NM_001406687.1); c.-1461+202C>T (NM_001406689.1, NM_001406690.1, NM_001406692.1 and 2 more transcripts); c.-1637+202C>T (NM_001406698.1); c.-1342+202C>T (NM_001406694.1, NM_001406695.1); c.-1449+202C>T (NM_001406696.1); and 4 more.
Identifiers: ClinVar variation 4281087 (VCV004281087.7).

ClinVar aggregate classification (germline): Uncertain significance (1 of 4 stars; one submission).

gnomAD v4.1: 3 of 1,249,326 alleles (0.00024%); highest among the groups gnomAD compares: Non-Finnish European, 0.00034%; no homozygotes.

Submission:

CeGaT Center for Human Genetics Tuebingen
Classification: Uncertain significance. Last evaluated: 2025-09-01. Review status: criteria provided, single submitter. Criteria: CeGaT Center For Human Genetics Tuebingen Variant Classification Criteria Version 2. Collection method: clinical testing. Allele origin: germline. Affected: yes. Observed: 1 variant allele.
Comment: TSC2: PM2, BP4